The following is an entry in ClinVar:

ClinVar aggregate classification (germline): Uncertain significance (1 of 4 stars; one submission).

Submission:

Dasa
Classification: Uncertain significance. Last evaluated: 2025-08-07. Review status: criteria provided, single submitter. Criteria: DASA Assertion Criteria. Collection method: clinical testing. Allele origin: germline.
Comment: NM_002471.4(MYH6):c.4696G>C (p.Glu1566Gln) is a missense variant that results in the substitution of glutamic acid with glutamine. This variant is absent from population databases. Computational prediction algorithms are consistent with a deleterious effect. The currently available literature and clinical evidence are not sufficient to establish a definitive association between this variant and the reported condition. Therefore, this variant is classified as a variant of uncertain significance.

NM_002471.4(MYH6):c.4696G>C (p.Glu1566Gln)

Genes: MYH6 (myosin heavy chain 6; minus strand), LOC126861896 (BRD4-independent group 4 enhancer GRCh37_chr14:23854904-23856103; plus strand). Cytogenetic location: 14q11.2.
Variant type: single nucleotide variant.
Coding change: c.4696G>C on transcript NM_002471.4 (MANE Select); coding-DNA position 4696, G replaced by C.
Protein change: p.Glu1566Gln; replaces glutamic acid 1566 with glutamine.
Molecular consequence: missense variant.
Genome position (GRCh38, 1-based): chr14:23,386,578, C>G on the plus strand (G>C on the coding strand, the complement: MYH6 is on the minus strand). VCF-style: chr14-23386578-C-G. GRCh37 (hg19) VCF-style: chr14-23855787-C-G.
Other names: short protein forms E1566Q.
Identifiers: ClinVar variation 4885828 (VCV004885828.2).